The following is an entry in ClinVar:

ClinVar aggregate classification (germline): Uncertain significance (1 of 4 stars; one submission).

Conditions:
Hereditary breast ovarian cancer syndrome. Also called: Hereditary breast and ovarian cancer syndrome (HBOC); Hereditary breast and ovarian cancer syndrome; Breast and ovarian cancer; Hereditary breast and/or ovarian cancer syndrome; Hereditary breast and ovarian cancer; BRCA1- and BRCA2-Associated Hereditary Breast and Ovarian Cancer. Identifiers: Orphanet 145, MedGen C0677776, MeSH D061325, MONDO:0003582. Disease mechanism: loss of function.

Submission:

Labcorp Genetics (formerly Invitae), Labcorp
Classification: Uncertain significance for Hereditary breast ovarian cancer syndrome. Last evaluated: 2021-08-30. Review status: criteria provided, single submitter. Criteria: Invitae Variant Classification Sherloc (09022015). Collection method: clinical testing. Allele origin: germline.
Comment: This sequence change replaces lysine with glutamic acid at codon 2524 of the BRCA2 protein (p.Lys2524Glu). The lysine residue is weakly conserved and there is a small physicochemical difference between lysine and glutamic acid. This variant is not present in population databases (ExAC no frequency). This variant has not been reported in the literature in individuals affected with BRCA2-related conditions. Algorithms developed to predict the effect of missense changes on protein structure and function are either unavailable or do not agree on the potential impact of this missense change (SIFT: "Tolerated"; PolyPhen-2: "Possibly Damaging"; Align-GVGD: "Class C0"). In summary, the available evidence is currently insufficient to determine the role of this variant in disease. Therefore, it has been classified as a Variant of Uncertain Significance.

NM_000059.4(BRCA2):c.7570A>G (p.Lys2524Glu)

Gene: BRCA2 (BRCA2 DNA repair associated; plus strand). Cytogenetic location: 13q13.1.
Variant type: single nucleotide variant.
Coding change: c.7570A>G on transcript NM_000059.4 (MANE Select); coding-DNA position 7570, A replaced by G.
Protein change: p.Lys2524Glu; replaces lysine 2524 with glutamic acid.
Molecular consequence: missense variant.
Genome position (GRCh38, 1-based): chr13:32,356,562, A>G. VCF-style: chr13-32356562-A-G. GRCh37 (hg19) VCF-style: chr13-32930699-A-G.
Other names: short protein forms K2524E.
Identifiers: ClinVar variation 462445 (VCV000462445.6), dbSNP rs1555286291, ClinGen allele CA387743776.